The following is an entry in ClinVar:

NM_007129.5(ZIC2):c.1587A>G (p.Glu529=)

Gene: ZIC2 (Zic family zinc finger 2; plus strand). Cytogenetic location: 13q32.3.
Variant type: single nucleotide variant.
Coding change: c.1587A>G on transcript NM_007129.5 (MANE Select); coding-DNA position 1587, A replaced by G.
Protein change: p.Glu529=; no amino-acid change (glutamic acid 529 retained).
Molecular consequence: synonymous variant.
Genome position (GRCh38, 1-based): chr13:99,985,670, A>G. VCF-style: chr13-99985670-A-G. GRCh37 (hg19) VCF-style: chr13-100637924-A-G.
Other names: c.1587A>G (NM_007129.3).
Identifiers: ClinVar variation 1579620 (VCV001579620.9), dbSNP rs755906674, ClinGen allele CA7033018.

ClinVar aggregate classification (germline): Likely benign. Review status: criteria provided, multiple submitters, no conflicts (2 of 4 stars). 2 submissions from 2 submitters: Likely benign (2). Last evaluated 2025-06-30.

Conditions:
ZIC2-related disorder. Also called: ZIC2-related condition.
Holoprosencephaly 5 (HPE5). Identifiers: Orphanet 2162, MedGen C1864827, MONDO:0012322, OMIM 609637.

Allele frequency attached by ClinVar (database versions not stated): ExAC 0.00001; gnomAD exomes 0.00001; TOPMed 0.00007; gnomAD 0.00010 and 0.00012.

Submissions (2):

Labcorp Genetics (formerly Invitae), Labcorp
Classification: Likely benign for Holoprosencephaly 5. Last evaluated: 2025-06-30. Review status: criteria provided, single submitter. Criteria: Invitae Variant Classification Sherloc (09022015). Collection method: clinical testing. Allele origin: germline.

PreventionGenetics, part of Exact Sciences
Classification: Likely benign for ZIC2-related condition. Last evaluated: 2025-01-02. Review status: criteria provided, single submitter. Criteria: ACMG Guidelines, 2015. Collection method: clinical testing. Allele origin: germline.
Comment: This variant is classified as likely benign based on ACMG/AMP sequence variant interpretation guidelines (Richards et al. 2015 PMID: 25741868, with internal and published modifications).